The following is an entry in ClinVar:

ClinVar aggregate classification (germline): Uncertain significance (1 of 4 stars; one submission).

Allele frequency attached by ClinVar (database versions not stated): ExAC 0.00002.
gnomAD v4.1: 6 of 1,614,152 alleles (0.00037%); highest among the groups gnomAD compares: Non-Finnish European, 0.00042%; no homozygotes.

Submission:

Ambry Genetics
Classification: Uncertain significance. Last evaluated: 2024-09-05. Review status: criteria provided, single submitter. Criteria: Ambry Variant Classification Scheme 2023. Collection method: clinical testing. Allele origin: germline.
Comment: The p.K305R variant (also known as c.914A>G), located in coding exon 4 of the MNDA gene, results from an A to G substitution at nucleotide position 914. The lysine at codon 305 is replaced by arginine, an amino acid with highly similar properties. This amino acid position is conserved. In addition, this alteration is predicted to be tolerated by in silico analysis. Since supporting evidence is limited at this time, the clinical significance of this alteration remains unclear.

NM_002432.3(MNDA):c.914A>G (p.Lys305Arg)

Gene: MNDA (myeloid cell nuclear differentiation antigen; plus strand). Cytogenetic location: 1q23.1.
Variant type: single nucleotide variant.
Coding change: c.914A>G on transcript NM_002432.3 (MANE Select); coding-DNA position 914, A replaced by G.
Protein change: p.Lys305Arg; replaces lysine 305 with arginine.
Molecular consequence: missense variant.
Genome position (GRCh38, 1-based): chr1:158,845,930, A>G. VCF-style: chr1-158845930-A-G. GRCh37 (hg19) VCF-style: chr1-158815720-A-G.
Other names: short protein forms K305R.
Identifiers: ClinVar variation 1765953 (VCV001765953.3), dbSNP rs749719653, ClinGen allele CA1185734.